The following is an entry in ClinVar:

NM_000501.4(ELN):c.27G>A (p.Pro9=)

Gene: ELN (elastin; plus strand). Cytogenetic location: 7q11.23.
Variant type: single nucleotide variant.
Coding change: c.27G>A on transcript NM_000501.4 (MANE Select); coding-DNA position 27, G replaced by A.
Protein change: p.Pro9=; no amino-acid change (proline 9 retained).
Molecular consequence: synonymous variant.
Genome position (GRCh38, 1-based): chr7:74,028,214, G>A. VCF-style: chr7-74028214-G-A. GRCh37 (hg19) VCF-style: chr7-73442544-G-A.
Other names: c.27G>A, p.Pro9= (NM_001081752.3, NM_001081753.3, NM_001081754.3 and 9 more transcripts).
Identifiers: ClinVar variation 3048172 (VCV003048172.4), dbSNP rs781942461, ClinGen allele CA4292216.

ClinVar aggregate classification (germline): Likely benign. Review status: criteria provided, single submitter (1 of 4 stars). 2 submissions from 2 submitters: Likely benign (1). 1 of the submissions does not count toward it. Last evaluated 2024-09-02.

Conditions:
Supravalvar aortic stenosis (SVAS). Also called: Supravalvar aortic stenosis, Eisenberg type. Identifiers: Orphanet 3193, MedGen C0003499, MONDO:0008504, OMIM 185500, HP:0004381.
ELN-related disorder.

Allele frequency attached by ClinVar (database versions not stated): gnomAD 0.00001; gnomAD exomes 0.00001; TOPMed 0.00001; ExAC 0.00003; 1000 Genomes Project 30x 0.00016.
gnomAD v4.1: 21 of 1,611,102 alleles (0.0013%); highest among the groups gnomAD compares: South Asian, 0.0022%; no homozygotes.

Submissions (2):

Labcorp Genetics (formerly Invitae), Labcorp
Classification: Likely benign for Supravalvar aortic stenosis. Last evaluated: 2024-09-02. Review status: criteria provided, single submitter. Criteria: Invitae Variant Classification Sherloc (09022015). Collection method: clinical testing. Allele origin: germline.

PreventionGenetics, part of Exact Sciences
Classification: Likely benign for ELN-related condition. Last evaluated: 2019-11-26. Review status: no assertion criteria provided. Collection method: clinical testing. Allele origin: germline. Not counted in ClinVar's aggregate classification.
Comment: This variant is classified as likely benign based on ACMG/AMP sequence variant interpretation guidelines (Richards et al. 2015 PMID: 25741868, with internal and published modifications).